The following is an entry in ClinVar:

NM_000540.3(RYR1):c.13739T>A (p.Phe4580Tyr)

Gene: RYR1 (ryanodine receptor 1; plus strand). Cytogenetic location: 19q13.2.
Variant type: single nucleotide variant.
Coding change: c.13739T>A on transcript NM_000540.3 (MANE Select); coding-DNA position 13739, T replaced by A.
Protein change: p.Phe4580Tyr; replaces phenylalanine 4580 with tyrosine.
Molecular consequence: missense variant.
Genome position (GRCh38, 1-based): chr19:38,570,686, T>A. VCF-style: chr19-38570686-T-A. GRCh37 (hg19) VCF-style: chr19-39061326-T-A.
Other names: c.13724T>A, p.Phe4575Tyr (NM_001042723.2); short protein forms F4575Y, F4580Y.
Identifiers: ClinVar variation 3385611 (VCV003385611.1).
Genomic context (GRCh38, chr19:38,570,686, plus strand): 5'-TTTACACCCTGCGGTTCCTTGCCCTCTTCTTGGCATTTGCCATCAACTTCATCTTGCTGT[T>A]TTATAAGGTGCTGGTCCTGAAGGGCTGGGAGGGTCAGGCCCTTTTCCATGCTGTGGGATG-3'
Protein context (NP_000531.2, residues 4570-4590): LAFAINFILL[Phe4580Tyr]YKVSDSPPGE

ClinVar aggregate classification (germline): Uncertain significance (1 of 4 stars; one submission).

Conditions:
Malignant hyperthermia, susceptibility to, 1 (MHS1). Also called: Anesthesia related hyperthermia; Malignant hyperpyrexia; Fulminating hyperpyrexia; Pharmacogenic myopathy; Malignant hyperthermia suceptibility 1; RYR1-Related Malignant Hyperthermia Susceptibility. Identifiers: Orphanet 423, MedGen C2930980, MONDO:0007783, OMIM 145600.

gnomAD v4.1: 26 of 1,613,620 alleles (0.0016%); highest among the groups gnomAD compares: South Asian, 0.025%; 1 homozygote.

Submission:

All of Us Research Program, National Institutes of Health
Classification: Uncertain significance for Malignant hyperthermia, susceptibility to, 1. Last evaluated: 2024-03-24. Review status: criteria provided, single submitter. Criteria: ACMG Guidelines, 2015. Collection method: clinical testing. Allele origin: germline. Inheritance: Autosomal dominant inheritance. Observed: 1 variant allele, 1 heterozygote.
Comment: This missense variant replaces phenylalanine with tyrosine at codon 4580 of the RYR1 protein. Computational prediction suggests that this variant may have deleterious impact on protein structure and function. To our knowledge, functional studies have not been reported for this variant. This variant has not been reported in individuals affected with malignant hyperthermia susceptibility in the literature. This variant has been identified in 8/251492 chromosomes in the general population by the Genome Aggregation Database (gnomAD). The available evidence is insufficient to determine the role of this variant in disease conclusively. Therefore, this variant is classified as a Variant of Uncertain Significance.

This study involves interpretation of variants in research participants for the purpose of population health screening. Participant phenotype was not available at the time of variant classification. Additional details can be found in publication PMID: 35346344, PMCID: PMC8962531